The following is an entry in ClinVar:

NM_001378454.1(ALMS1):c.8765T>C (p.Ile2922Thr)

Gene: ALMS1 (ALMS1 centrosome and basal body associated protein; plus strand). Cytogenetic location: 2p13.1.
Variant type: single nucleotide variant.
Coding change: c.8765T>C on transcript NM_001378454.1 (MANE Select); coding-DNA position 8765, T replaced by C.
Protein change: p.Ile2922Thr; replaces isoleucine 2922 with threonine.
Molecular consequence: missense variant.
Genome position (GRCh38, 1-based): chr2:73,490,724, T>C. VCF-style: chr2-73490724-T-C. GRCh37 (hg19) VCF-style: chr2-73717851-T-C.
Other names: c.8768T>C, p.Ile2923Thr (NM_015120.4); short protein forms I2922T, I2923T.
Identifiers: ClinVar variation 1053575 (VCV001053575.16), dbSNP rs201738475, ClinGen allele CA1714537.

ClinVar aggregate classification (germline): Conflicting classifications of pathogenicity. Review status: criteria provided, conflicting classifications (1 of 4 stars). 8 submissions from 8 submitters: Uncertain significance (6); Likely benign (1). 1 of the submissions does not count toward it. Last evaluated 2026-01-12.

Conditions:
Alstrom syndrome (ALMS). Identifiers: Orphanet 64, MedGen C0268425, MONDO:0008763, OMIM 203800.
ALMS1-related disorder. Also called: ALMS1-related condition.
Cardiovascular phenotype. Identifiers: MedGen CN230736.

Allele frequency attached by ClinVar (database versions not stated): gnomAD exomes 0.00003 and 0.00005; ExAC 0.00004; gnomAD 0.00021 and 0.00024; TOPMed 0.00024; ESP Exome Variant Server 0.00025.
gnomAD v4.1: 84 of 1,614,064 alleles (0.0052%); highest among the groups gnomAD compares: African/African-American, 0.096%; no homozygotes.

Submissions (8):

Labcorp Genetics (formerly Invitae), Labcorp
Classification: Uncertain significance for Alstrom syndrome. Last evaluated: 2026-01-12. Review status: criteria provided, single submitter. Criteria: Invitae Variant Classification Sherloc (09022015). Collection method: clinical testing. Allele origin: germline.
Comment: This sequence change replaces isoleucine, which is neutral and non-polar, with threonine, which is neutral and polar, at codon 2923 of the ALMS1 protein (p.Ile2923Thr). This variant is present in population databases (rs201738475, gnomAD 0.07%). This variant has not been reported in the literature in individuals affected with ALMS1-related conditions. ClinVar contains an entry for this variant (Variation ID: 1053575). Experimental studies and prediction algorithms are not available or were not evaluated, and the functional significance of this variant is currently unknown. In summary, the available evidence is currently insufficient to determine the role of this variant in disease. Therefore, it has been classified as a Variant of Uncertain Significance.

GeneDx
Classification: Uncertain significance. Last evaluated: 2025-06-02. Review status: criteria provided, single submitter. Criteria: GeneDx Variant Classification Process June 2021. Collection method: clinical testing. Allele origin: germline.
Comment: In silico analysis suggests that this missense variant does not alter protein structure/function; Has not been previously published as pathogenic or benign to our knowledge

Women's Health and Genetics/Laboratory Corporation of America, LabCorp
Classification: Uncertain significance. Last evaluated: 2025-01-25. Review status: criteria provided, single submitter. Criteria: LabCorp Variant Classification Summary - May 2015. Collection method: clinical testing. Allele origin: germline.

Blueprint Genetics
Classification: Uncertain significance. Last evaluated: 2024-11-26. Review status: criteria provided, single submitter. Criteria: ACMG Guidelines, 2015. Collection method: clinical testing. Allele origin: germline.

PreventionGenetics, part of Exact Sciences
Classification: Uncertain significance for ALMS1-related condition. Last evaluated: 2023-07-06. Review status: criteria provided, single submitter. Criteria: ACMG Guidelines, 2015. Collection method: clinical testing. Allele origin: germline.
Comment: The ALMS1 c.8768T>C variant is predicted to result in the amino acid substitution p.Leu2923Pro. To our knowledge, this variant has not been reported in the literature. This variant is reported in 0.010% of alleles in individuals of European (Non-Finnish) descent in gnomAD. At this time, the clinical significance of this variant is uncertain due to the absence of conclusive functional and genetic evidence.

Fulgent Genetics
Classification: Uncertain significance for Alstrom syndrome. Last evaluated: 2021-12-16. Review status: criteria provided, single submitter. Criteria: ACMG Guidelines, 2015. Collection method: clinical testing. Allele origin: unknown.

Ambry Genetics
Classification: Likely benign for Cardiovascular phenotype. Last evaluated: 2021-09-15. Review status: criteria provided, single submitter. Criteria: Ambry Variant Classification Scheme 2023. Collection method: clinical testing. Allele origin: germline.

Natera, Inc.
Classification: Uncertain significance for Alstrom syndrome. Last evaluated: 2021-05-20. Review status: no assertion criteria provided. Collection method: clinical testing. Allele origin: germline. Not counted in ClinVar's aggregate classification.